The following is an entry in ClinVar:

ClinVar aggregate classification (germline): Uncertain significance (1 of 4 stars; one submission).

Submission:

Labcorp Genetics (formerly Invitae), Labcorp
Classification: Uncertain significance. Last evaluated: 2025-10-01. Review status: criteria provided, single submitter. Criteria: Invitae Variant Classification Sherloc (09022015). Collection method: clinical testing. Allele origin: germline.
Comment: This sequence change replaces methionine, which is neutral and non-polar, with valine, which is neutral and non-polar, at codon 1089 of the FOCAD protein (p.Met1089Val). This variant is present in population databases (rs750879558, gnomAD 0.003%). This variant has not been reported in the literature in individuals affected with FOCAD-related conditions. ClinVar contains an entry for this variant (Variation ID: 3673375). Experimental studies and prediction algorithms are not available or were not evaluated, and the functional significance of this variant is currently unknown. In summary, the available evidence is currently insufficient to determine the role of this variant in disease. Therefore, it has been classified as a Variant of Uncertain Significance.

NM_001375567.1(FOCAD):c.3265A>G (p.Met1089Val)

Gene: FOCAD (focadhesin; plus strand). Cytogenetic location: 9p21.3.
Variant type: single nucleotide variant.
Coding change: c.3265A>G on transcript NM_001375567.1 (MANE Select); coding-DNA position 3265, A replaced by G.
Protein change: p.Met1089Val; replaces methionine 1089 with valine.
Molecular consequence: missense variant.
Genome position (GRCh38, 1-based): chr9:20,929,544, A>G. VCF-style: chr9-20929544-A-G. GRCh37 (hg19) VCF-style: chr9-20929543-A-G.
Other names: c.3160A>G, p.Met1054Val (NM_001375568.1, NM_001375570.1); c.3265A>G, p.Met1089Val (NM_017794.5); short protein forms M1089V, M1054V.
Identifiers: ClinVar variation 3673375 (VCV003673375.2).